The following is an entry in ClinVar:

NM_001256789.3(CACNA1F):c.140C>T (p.Thr47Ile)

Gene: CACNA1F (calcium voltage-gated channel subunit alpha1 F; minus strand). Cytogenetic location: Xp11.23.
Variant type: single nucleotide variant.
Coding change: c.140C>T on transcript NM_001256789.3 (MANE Select); coding-DNA position 140, C replaced by T.
Protein change: p.Thr47Ile; replaces threonine 47 with isoleucine.
Molecular consequence: missense variant. On other transcripts: intron variant (1).
Genome position (GRCh38, 1-based): chrX:49,231,813, G>A on the plus strand (C>T on the coding strand, the complement: CACNA1F is on the minus strand). VCF-style: chrX-49231813-G-A. GRCh37 (hg19) VCF-style: chrX-49088275-G-A.
Other names: c.140C>T, p.Thr47Ile (NM_005183.4); c.66-121C>T (NM_001256790.3); short protein forms T47I.
Identifiers: ClinVar variation 965133 (VCV000965133.10), dbSNP rs868947929, ClinGen allele CA329125489.
Genomic context (GRCh38, chrX:49,231,813, plus strand): 5'-CGCTGGGCACTGGCCACTGCCACTGTCTTGTGCTTGCTGTGCTGGTTTCTTCGCTTAGGG[G>A]TCCCTAGGCCTGATGCCCCACTGCTTTCACCTTCCACAGCTGGGGGCCCGGGGCACAGCC-3'
Protein context (NP_001243718.1, residues 37-57): GESSGASGLG[Thr47Ile]PKRRNQHSKH

ClinVar aggregate classification (germline): Uncertain significance. Review status: criteria provided, multiple submitters, no conflicts (2 of 4 stars). 2 submissions from 2 submitters: Uncertain significance (2). Last evaluated 2025-04-28.

Allele frequency attached by ClinVar (database versions not stated): gnomAD 0.00001; gnomAD exomes 0.00001 and 0.00002; TOPMed 0.00001.

Submissions (2):

Labcorp Genetics (formerly Invitae), Labcorp
Classification: Uncertain significance. Last evaluated: 2025-04-28. Review status: criteria provided, single submitter. Criteria: Invitae Variant Classification Sherloc (09022015). Collection method: clinical testing. Allele origin: germline.
Comment: This sequence change replaces threonine, which is neutral and polar, with isoleucine, which is neutral and non-polar, at codon 47 of the CACNA1F protein (p.Thr47Ile). This variant is present in population databases (no rsID available, gnomAD 0.001%). This variant has not been reported in the literature in individuals affected with CACNA1F-related conditions. ClinVar contains an entry for this variant (Variation ID: 965133). An algorithm developed to predict the effect of missense changes on protein structure and function (PolyPhen-2) suggests that this variant is likely to be tolerated. In summary, the available evidence is currently insufficient to determine the role of this variant in disease. Therefore, it has been classified as a Variant of Uncertain Significance.

Blueprint Genetics
Classification: Uncertain significance. Last evaluated: 2022-04-09. Review status: criteria provided, single submitter. Criteria: ACMG Guidelines, 2015. Collection method: clinical testing. Allele origin: germline.